The following is an entry in ClinVar:

NM_032892.5(FRMD5):c.556C>G (p.Gln186Glu)

Gene: FRMD5 (FERM domain containing 5; minus strand). Cytogenetic location: 15q15.3.
Variant type: single nucleotide variant.
Coding change: c.556C>G on transcript NM_032892.5 (MANE Select); coding-DNA position 556, C replaced by G.
Protein change: p.Gln186Glu; replaces glutamine 186 with glutamic acid.
Molecular consequence: missense variant. On other transcripts: 5 prime UTR variant (1), non-coding transcript variant (1).
Genome position (GRCh38, 1-based): chr15:43,902,258, G>C on the plus strand (C>G on the coding strand, the complement: FRMD5 is on the minus strand). VCF-style: chr15-43902258-G-C. GRCh37 (hg19) VCF-style: chr15-44194456-G-C.
Other names: c.289C>G, p.Gln97Glu (NM_001286490.2); c.-58C>G (NM_001286491.2); c.556C>G, p.Gln186Glu (NM_001322949.2, NM_001322950.2, NM_001411124.1); c.451C>G, p.Gln151Glu (NM_001322951.2); short protein forms Q151E, Q186E, Q97E.
Identifiers: ClinVar variation 4083009 (VCV004083009.1).
Genomic context (GRCh38, chr15:43,902,258, plus strand): 5'-CATATGTTTCCAATGTCTGTGCTTTTCTTAAGAAGTTCAGCTCTGATGTTGCTGGTGTTT[G>C]ACCACTGGAATAAAGAAGATGAGATGATTTCAAGGTGTCTTGTTCCCACAGGTTCCCCTG-3'
Protein context (NP_116281.2, residues 176-196): AEIHKTELSG[Gln186Glu]TPATSELNFL

ClinVar aggregate classification (germline): Uncertain significance (1 of 4 stars; one submission).

Submission:

GeneDx
Classification: Uncertain significance. Last evaluated: 2025-03-05. Review status: criteria provided, single submitter. Criteria: GeneDx Variant Classification Process June 2021. Collection method: clinical testing. Allele origin: germline. Affected: yes.
Comment: Not observed at significant frequency in large population cohorts (gnomAD); In silico analysis supports that this missense variant has a deleterious effect on protein structure/function; Has not been previously published as pathogenic or benign to our knowledge